The following is an entry in ClinVar:

NM_001367624.2(ZNF469):c.2372T>A (p.Leu791His)

Gene: ZNF469 (zinc finger protein 469; plus strand). Cytogenetic location: 16q24.2.
Variant type: single nucleotide variant.
Coding change: c.2372T>A on transcript NM_001367624.2 (MANE Select); coding-DNA position 2372, T replaced by A.
Protein change: p.Leu791His; replaces leucine 791 with histidine.
Molecular consequence: missense variant.
Genome position (GRCh38, 1-based): chr16:88,429,842, T>A. VCF-style: chr16-88429842-T-A. GRCh37 (hg19) VCF-style: chr16-88496250-T-A.
Other names: short protein forms L791H.
Identifiers: ClinVar variation 2184778 (VCV002184778.1), dbSNP rs1906006352, ClinGen allele CA397071657.
Genomic context (GRCh38, chr16:88,429,842, plus strand): 5'-CTGGGCTCCCCTCGCCCCCCGCTGCCCCCAGAGTCCCTGCCGACGCACACGCGGGCTTGC[T>A]CAGCCACGCGAAGACCTTCCTGTTAGCTGGGGACGCCCAGGCCGAGGGCAAAGACGACCC-3'
Protein context (NP_001354553.1, residues 781-801): RVPADAHAGL[Leu791His]SHAKTFLLAG

ClinVar aggregate classification (germline): Uncertain significance (1 of 4 stars; one submission).

Allele frequency attached by ClinVar (database versions not stated): gnomAD exomes below 0.00001; TOPMed below 0.00001.
gnomAD v4.1: 1 of 1,548,634 alleles (0.000065%); highest among the groups gnomAD compares: Non-Finnish European, 0.000087%; no homozygotes.

Submission:

Labcorp Genetics (formerly Invitae), Labcorp
Classification: Uncertain significance. Last evaluated: 2022-06-22. Review status: criteria provided, single submitter. Criteria: Invitae Variant Classification Sherloc (09022015). Collection method: clinical testing. Allele origin: germline.
Comment: This sequence change replaces leucine, which is neutral and non-polar, with histidine, which is basic and polar, at codon 791 of the ZNF469 protein (p.Leu791His). This variant is not present in population databases (gnomAD no frequency). This variant has not been reported in the literature in individuals affected with ZNF469-related conditions. Algorithms developed to predict the effect of missense changes on protein structure and function are either unavailable or do not agree on the potential impact of this missense change (SIFT: "Deleterious"; PolyPhen-2: "Possibly Damaging"; Align-GVGD: "Class C0"). In summary, the available evidence is currently insufficient to determine the role of this variant in disease. Therefore, it has been classified as a Variant of Uncertain Significance.